The following is an entry in ClinVar:

NM_015047.3(EMC1):c.719C>T (p.Pro240Leu)

Genes: EMC1 (ER membrane protein complex subunit 1; minus strand), EMC1-AS1 (EMC1 antisense RNA 1; plus strand). Cytogenetic location: 1p36.13.
Variant type: single nucleotide variant.
Coding change: c.719C>T on transcript NM_015047.3 (MANE Select); coding-DNA position 719, C replaced by T.
Protein change: p.Pro240Leu; replaces proline 240 with leucine.
Molecular consequence: missense variant. On other transcripts: non-coding transcript variant (1).
Genome position (GRCh38, 1-based): chr1:19,240,364, G>A on the plus strand (C>T on the coding strand, the complement: EMC1 is on the minus strand). VCF-style: chr1-19240364-G-A. GRCh37 (hg19) VCF-style: chr1-19566858-G-A.
Other names: c.719C>T, p.Pro240Leu (NM_001271427.2, NM_001271428.2); c.653C>T, p.Pro218Leu (NM_001271429.2); short protein forms P240L, P218L.
Identifiers: ClinVar variation 446000 (VCV000446000.23), dbSNP rs141614470, ClinGen allele CA652815.

ClinVar aggregate classification (germline): Benign/Likely benign. Review status: criteria provided, multiple submitters, no conflicts (2 of 4 stars). 6 submissions from 6 submitters: Benign (1); Likely benign (3). 2 of the submissions do not count toward it. Last evaluated 2026-02-03.

Allele frequency attached by ClinVar (database versions not stated): gnomAD exomes 0.00207; ExAC 0.00220; gnomAD 0.00425 and 0.00450; ESP Exome Variant Server 0.00454; 1000 Genomes Project 30x 0.00468; 1000 Genomes Project 0.00499; TOPMed 0.00524.

Submissions (6):

Labcorp Genetics (formerly Invitae), Labcorp
Classification: Benign. Last evaluated: 2026-02-03. Review status: criteria provided, single submitter. Criteria: Invitae Variant Classification Sherloc (09022015). Collection method: clinical testing. Allele origin: germline.

CeGaT Center for Human Genetics Tuebingen
Classification: Likely benign. Last evaluated: 2026-01-01. Review status: criteria provided, single submitter. Criteria: CeGaT Center For Human Genetics Tuebingen Variant Classification Criteria Version 2. Collection method: clinical testing. Allele origin: germline. Affected: yes. Observed: 2 variant alleles.
Comment: EMC1: BP4, BS1; EMC1-AS1: BS1

Center for Pediatric Genomic Medicine, Children's Mercy Hospital and Clinics
Classification: Likely benign. Last evaluated: 2017-04-19. Review status: criteria provided, single submitter. Criteria: ACMG Guidelines, 2015. Collection method: clinical testing. Allele origin: germline.

Breakthrough Genomics
Classification: Likely benign. Review status: criteria provided, single submitter. Criteria: ACMG Guidelines, 2015. Collection method: not provided. Allele origin: germline. Inheritance: Autosomal recessive inheritance. Affected: yes.

Clinical Genetics DNA and cytogenetics Diagnostics Lab, Erasmus MC, Erasmus Medical Center
Classification: Benign. Review status: no assertion criteria provided. Collection method: clinical testing. Allele origin: germline. Affected: yes. Study: VKGL Data-share Consensus. Not counted in ClinVar's aggregate classification.

Clinical Genetics, Academic Medical Center
Classification: Likely benign. Review status: no assertion criteria provided. Collection method: clinical testing. Allele origin: germline. Affected: yes. Study: VKGL Data-share Consensus. Not counted in ClinVar's aggregate classification.